The following is an entry in ClinVar:

ClinVar aggregate classification (germline): Likely pathogenic (1 of 4 stars; one submission).

Conditions:
Glycogen storage disease type III (GSD3). Also called: FORBES DISEASE; Cori disease. Identifiers: Orphanet 366, MedGen C0017922, MONDO:0009291, OMIM 232400.

Submission:

Natera, Inc.
Classification: Likely pathogenic for Glycogen storage disease type III. Last evaluated: 2024-09-26. Review status: criteria provided, single submitter. Criteria: Natera Variant Classification Schema (03/2026). Collection method: clinical testing. Allele origin: germline.
Comment: The c.4414dup variant in AGL is a frameshift variant predicted to shift the reading frame beginning at codon 1472 and leads to a stop codon 11 codons downstream. This variant is expected to result in nonsense mediated decay, truncation, or a dysfunctional protein product. This variant is rare in the general population with a frequency below the threshold expected for the associated phenotype(s). Given the available evidence, this variant is classified as Likely Pathogenic.

NM_000642.3(AGL):c.4414dup (p.Glu1472fs)

Gene: AGL (amylo-alpha-1,6-glucosidase and 4-alpha-glucanotransferase; plus strand). Cytogenetic location: 1p21.2.
Variant type: Duplication.
Coding change: c.4414dup on transcript NM_000642.3 (MANE Select); coding-DNA position 4414, one base duplicated (G; older notation c.4414dupG).
Protein change: p.Glu1472fs; shifts the reading frame from glutamic acid 1472.
Molecular consequence: frameshift variant.
Genome position (GRCh38, 1-based): chr1:99,916,664, G duplicated; the last of 2 consecutive G bases (chr1:99,916,663-99,916,664); duplicating either gives the same sequence. VCF-style (leftmost placement, unchanged base first): chr1-99916662-C-CG. GRCh37 (hg19) VCF-style: chr1-100382218-C-CG.
Other names: c.4414dup, p.Glu1472fs (NM_000028.3, NM_000643.3, NM_000644.3 and 1 more transcripts); c.4366dup, p.Glu1456fs (NM_000646.3); c.4393dup, p.Glu1465fs (NM_001425326.1); c.4213dup, p.Glu1405fs (NM_001425327.1); c.4210dup, p.Glu1404fs (NM_001425328.1); c.4075dup, p.Glu1359fs (NM_001425329.1); c.4036dup, p.Glu1346fs (NM_001425332.1); short protein forms E1346fs, E1359fs, E1404fs, E1405fs, E1456fs, E1465fs, E1472fs.
Identifiers: ClinVar variation 4814457 (VCV004814457.1).
Genomic context (GRCh38, chr1:99,916,662, plus strand): 5'-GGCTGTGGCCTATTGGGTATTTTCTTCGTGCAAAATTATATTTTTCCAGATTGATGGGCC[C>CG]GGAGACTACTGCAAAGACTATAGTTTTGGTTAAAAATGTTCTTTCCCGACATTATGTTCA-3'